The following is an entry in ClinVar:

ClinVar aggregate classification (germline): Uncertain significance. Review status: criteria provided, multiple submitters, no conflicts (2 of 4 stars). 3 submissions from 3 submitters: Uncertain significance (3). Last evaluated 2024-12-20.

Conditions:
Epiphyseal dysplasia, multiple, 3 (EDM3). Also called: COL9A3-Related Multiple Epiphyseal Dysplasia; Epiphyseal dysplasia, multiple, 3, with or without myopathy. Identifiers: MedGen C1832998, MONDO:0010964, OMIM 600969.

Allele frequency attached by ClinVar (database versions not stated): gnomAD exomes 0.00003; TOPMed 0.00004; gnomAD 0.00010.
gnomAD v4.1: 31 of 1,606,992 alleles (0.0019%); highest among the groups gnomAD compares: South Asian, 0.0056%; no homozygotes.

Submissions (3):

Labcorp Genetics (formerly Invitae), Labcorp
Classification: Uncertain significance. Last evaluated: 2024-12-20. Review status: criteria provided, single submitter. Criteria: Invitae Variant Classification Sherloc (09022015). Collection method: clinical testing. Allele origin: germline.
Comment: This sequence change replaces aspartic acid, which is acidic and polar, with asparagine, which is neutral and polar, at codon 663 of the COL9A3 protein (p.Asp663Asn). This variant is present in population databases (rs149805455, gnomAD 0.01%). This variant has not been reported in the literature in individuals affected with COL9A3-related conditions. ClinVar contains an entry for this variant (Variation ID: 587492). Invitae Evidence Modeling of protein sequence and biophysical properties (such as structural, functional, and spatial information, amino acid conservation, physicochemical variation, residue mobility, and thermodynamic stability) indicates that this missense variant is not expected to disrupt COL9A3 protein function with a negative predictive value of 95%. In summary, the available evidence is currently insufficient to determine the role of this variant in disease. Therefore, it has been classified as a Variant of Uncertain Significance.

Blueprint Genetics
Classification: Uncertain significance. Last evaluated: 2024-02-02. Review status: criteria provided, single submitter. Criteria: ACMG Guidelines, 2015. Collection method: clinical testing. Allele origin: germline.

Genomic Research Center, Shahid Beheshti University of Medical Sciences
Classification: Uncertain significance for Multiple epiphyseal dysplasia 3. Last evaluated: 2018-08-07. Review status: criteria provided, single submitter. Criteria: ACMG Guidelines, 2015. Collection method: clinical testing. Allele origin: inherited. Affected: yes. Observed: 1 variant allele.

NM_001853.4(COL9A3):c.1987G>A (p.Asp663Asn)

Gene: COL9A3 (collagen type IX alpha 3 chain; plus strand). Cytogenetic location: 20q13.33.
Variant type: single nucleotide variant.
Coding change: c.1987G>A on transcript NM_001853.4 (MANE Select); coding-DNA position 1987, G replaced by A.
Protein change: p.Asp663Asn; replaces aspartic acid 663 with asparagine.
Molecular consequence: missense variant.
Genome position (GRCh38, 1-based): chr20:62,840,664, G>A. VCF-style: chr20-62840664-G-A. GRCh37 (hg19) VCF-style: chr20-61472016-G-A.
Other names: c.1987G>A, p.Asp663Asn (LRG_1253t1); short protein forms D663N.
Identifiers: ClinVar variation 587492 (VCV000587492.9), dbSNP rs149805455, ClinGen allele CA9950277.